The following is an entry in ClinVar:

ClinVar aggregate classification (germline): Uncertain significance (1 of 4 stars; one submission).

Submission:

Labcorp Genetics (formerly Invitae), Labcorp
Classification: Uncertain significance. Last evaluated: 2024-10-24. Review status: criteria provided, single submitter. Criteria: Invitae Variant Classification Sherloc (09022015). Collection method: clinical testing. Allele origin: germline.
Comment: This sequence change replaces isoleucine, which is neutral and non-polar, with asparagine, which is neutral and polar, at codon 388 of the SLC13A3 protein (p.Ile388Asn). This variant is not present in population databases (gnomAD no frequency). This variant has not been reported in the literature in individuals affected with SLC13A3-related conditions. ClinVar contains an entry for this variant (Variation ID: 2113347). Invitae Evidence Modeling of protein sequence and biophysical properties (such as structural, functional, and spatial information, amino acid conservation, physicochemical variation, residue mobility, and thermodynamic stability) indicates that this missense variant is expected to disrupt SLC13A3 protein function with a positive predictive value of 80%. In summary, the available evidence is currently insufficient to determine the role of this variant in disease. Therefore, it has been classified as a Variant of Uncertain Significance.

NM_022829.6(SLC13A3):c.1163T>A (p.Ile388Asn)

Gene: SLC13A3 (solute carrier family 13 member 3; minus strand). Cytogenetic location: 20q13.12.
Variant type: single nucleotide variant.
Coding change: c.1163T>A on transcript NM_022829.6 (MANE Select); coding-DNA position 1163, T replaced by A.
Protein change: p.Ile388Asn; replaces isoleucine 388 with asparagine.
Molecular consequence: missense variant.
Genome position (GRCh38, 1-based): chr20:46,583,628, A>T on the plus strand (T>A on the coding strand, the complement: SLC13A3 is on the minus strand). VCF-style: chr20-46583628-A-T. GRCh37 (hg19) VCF-style: chr20-45212267-A-T.
Other names: c.1022T>A, p.Ile341Asn (NM_001011554.3); c.1013T>A, p.Ile338Asn (NM_001193339.2); c.917T>A, p.Ile306Asn (NM_001193340.2); c.869T>A, p.Ile290Asn (NM_001193342.2); short protein forms I306N, I338N, I341N, I290N, I388N.
Identifiers: ClinVar variation 2113347 (VCV002113347.4), dbSNP rs2516583478, ClinGen allele CA409262401.